The following is an entry in ClinVar:

ClinVar aggregate classification (germline): Uncertain significance (1 of 4 stars; one submission).

Conditions:
Hereditary sensory neuropathy-deafness-dementia syndrome. Also called: Hereditary Sensory and Autonomic Neuropathy Type 1E (HSAN1E); HSN IE; NEUROPATHY, HEREDITARY SENSORY, WITH HEARING LOSS AND DEMENTIA; Hereditary sensory neuropathy type IE. Identifiers: Orphanet 456318, MedGen C3279885, MONDO:0013584, OMIM 614116.

Allele frequency attached by ClinVar (database versions not stated): gnomAD exomes below 0.00001 and 0.00001; ExAC 0.00001; TOPMed 0.00001; ESP Exome Variant Server 0.00008.

Submission:

Labcorp Genetics (formerly Invitae), Labcorp
Classification: Uncertain significance for Hereditary sensory neuropathy-deafness-dementia syndrome. Last evaluated: 2019-03-07. Review status: criteria provided, single submitter. Criteria: Invitae Variant Classification Sherloc (09022015). Collection method: clinical testing. Allele origin: germline.
Comment: In summary, the available evidence is currently insufficient to determine the role of this variant in disease. Therefore, it has been classified as a Variant of Uncertain Significance. Algorithms developed to predict the effect of missense changes on protein structure and function are either unavailable or do not agree on the potential impact of this missense change (SIFT: "Deleterious"; PolyPhen-2: "Benign"; Align-GVGD: "Class C0"). This variant has not been reported in the literature in individuals with DNMT1-related conditions. This variant is present in population databases (rs368319266, ExAC 0.001%). This sequence change replaces aspartic acid with asparagine at codon 718 of the DNMT1 protein (p.Asp718Asn). The aspartic acid residue is highly conserved and there is a small physicochemical difference between aspartic acid and asparagine.

NM_001130823.3(DNMT1):c.2152G>A (p.Asp718Asn)

Gene: DNMT1 (DNA methyltransferase 1; minus strand). Cytogenetic location: 19p13.2.
Variant type: single nucleotide variant.
Coding change: c.2152G>A on transcript NM_001130823.3 (MANE Select); coding-DNA position 2152, G replaced by A.
Protein change: p.Asp718Asn; replaces aspartic acid 718 with asparagine.
Molecular consequence: missense variant.
Genome position (GRCh38, 1-based): chr19:10,151,511, C>T on the plus strand (G>A on the coding strand, the complement: DNMT1 is on the minus strand). VCF-style: chr19-10151511-C-T. GRCh37 (hg19) VCF-style: chr19-10262187-C-T.
Other names: c.2104G>A, p.Asp702Asn (NM_001318730.2, NM_001379.4); c.1789G>A, p.Asp597Asn (NM_001318731.2); short protein forms D702N, D597N, D718N.
Identifiers: ClinVar variation 834664 (VCV000834664.9), dbSNP rs368319266, ClinGen allele CA9188118.